The following is an entry in ClinVar:

ClinVar aggregate classification (germline): Uncertain significance. Review status: criteria provided, multiple submitters, no conflicts (2 of 4 stars). 2 submissions from 2 submitters: Uncertain significance (2). Last evaluated 2025-04-08.

Conditions:
Cardiovascular phenotype. Identifiers: MedGen CN230736.

Allele frequency attached by ClinVar (database versions not stated): gnomAD exomes below 0.00001; TOPMed below 0.00001.
gnomAD v4.1: 1 of 1,614,090 alleles (0.000062%); highest among the groups gnomAD compares: African/African-American, 0.0013%; no homozygotes.

Submissions (2):

Labcorp Genetics (formerly Invitae), Labcorp
Classification: Uncertain significance. Last evaluated: 2025-04-08. Review status: criteria provided, single submitter. Criteria: Invitae Variant Classification Sherloc (09022015). Collection method: clinical testing. Allele origin: germline.
Comment: This sequence change replaces isoleucine, which is neutral and non-polar, with methionine, which is neutral and non-polar, at codon 398 of the ALPK3 protein (p.Ile398Met). This variant is present in population databases (no rsID available, gnomAD 0.007%). This variant has not been reported in the literature in individuals affected with ALPK3-related conditions. ClinVar contains an entry for this variant (Variation ID: 1446815). Invitae Evidence Modeling of protein sequence and biophysical properties (such as structural, functional, and spatial information, amino acid conservation, physicochemical variation, residue mobility, and thermodynamic stability) has been performed for this missense variant. However, the output from this modeling did not meet the statistical confidence thresholds required to predict the impact of this variant on ALPK3 protein function. In summary, the available evidence is currently insufficient to determine the role of this variant in disease. Therefore, it has been classified as a Variant of Uncertain Significance.

Ambry Genetics
Classification: Uncertain significance for Cardiovascular phenotype. Last evaluated: 2020-11-25. Review status: criteria provided, single submitter. Criteria: Ambry Variant Classification Scheme 2023. Collection method: clinical testing. Allele origin: germline.
Comment: The p.I398M variant (also known as c.1194C>G), located in coding exon 5 of the ALPK3 gene, results from a C to G substitution at nucleotide position 1194. The isoleucine at codon 398 is replaced by methionine, an amino acid with highly similar properties. This amino acid position is well conserved in available vertebrate species; however, methionine is the reference amino acid in other vertebrate species. In addition, this alteration is predicted to be tolerated by in silico analysis. Since supporting evidence is limited at this time, the clinical significance of this alteration remains unclear.

NM_020778.5(ALPK3):c.588C>G (p.Ile196Met)

Gene: ALPK3 (alpha kinase 3; plus strand). Cytogenetic location: 15q25.3.
Variant type: single nucleotide variant.
Coding change: c.588C>G on transcript NM_020778.5 (MANE Select); coding-DNA position 588, C replaced by G.
Protein change: p.Ile196Met; replaces isoleucine 196 with methionine.
Molecular consequence: missense variant.
Genome position (GRCh38, 1-based): chr15:84,839,867, C>G. VCF-style: chr15-84839867-C-G. GRCh37 (hg19) VCF-style: chr15-85383098-C-G.
Other names: short protein forms I196M.
Identifiers: ClinVar variation 1446815 (VCV001446815.10), dbSNP rs1165843264, ClinGen allele CA393372995.